The following is an entry in ClinVar:

NM_032382.5(COG8):c.919C>T (p.His307Tyr)

Gene: COG8 (component of oligomeric golgi complex 8; minus strand). Cytogenetic location: 16q22.1.
Variant type: single nucleotide variant.
Coding change: c.919C>T on transcript NM_032382.5 (MANE Select); coding-DNA position 919, C replaced by T.
Protein change: p.His307Tyr; replaces histidine 307 with tyrosine.
Molecular consequence: missense variant.
Genome position (GRCh38, 1-based): chr16:69,335,015, G>A on the plus strand (C>T on the coding strand, the complement: COG8 is on the minus strand). VCF-style: chr16-69335015-G-A. GRCh37 (hg19) VCF-style: chr16-69368918-G-A.
Other names: c.919C>T, p.His307Tyr (NM_001374871.1, NM_001379261.1, NM_001379262.1 and 4 more transcripts); short protein forms H307Y.
Identifiers: ClinVar variation 1478090 (VCV001478090.5), dbSNP rs372889874, ClinGen allele CA8133832.
Genomic context (GRCh38, chr16:69,335,015, plus strand): 5'-GGAATTGTGAGACCTTCTGTAGCACCCAGCCATGGAAGATGGCACTCTCATTCACAGTGT[G>A]CTCACCCATGGCAGGGGGCAGCAGTGGGTCCTCGTCTGAGAAGATGGCACGGTACTGGGT-3'
Protein context (NP_115758.3, residues 297-317): DPLLPPAMGE[His307Tyr]TVNESAIFHG

ClinVar aggregate classification (germline): Uncertain significance (1 of 4 stars; one submission).

Conditions:
COG8-congenital disorder of glycosylation. Also called: COG8-CDG; CDG IIh. Identifiers: Orphanet 95428, MedGen C1970021, MONDO:0012635, OMIM 611182.

Allele frequency attached by ClinVar (database versions not stated): gnomAD 0.00001; gnomAD exomes 0.00001 and 0.00002; TOPMed 0.00001; ExAC 0.00002; ESP Exome Variant Server 0.00008.

Submission:

Labcorp Genetics (formerly Invitae), Labcorp
Classification: Uncertain significance for COG8-congenital disorder of glycosylation. Last evaluated: 2022-10-24. Review status: criteria provided, single submitter. Criteria: Invitae Variant Classification Sherloc (09022015). Collection method: clinical testing. Allele origin: germline.
Comment: This sequence change replaces histidine, which is basic and polar, with tyrosine, which is neutral and polar, at codon 307 of the COG8 protein (p.His307Tyr). This variant is present in population databases (rs372889874, gnomAD 0.004%). This variant has not been reported in the literature in individuals affected with COG8-related conditions. ClinVar contains an entry for this variant (Variation ID: 1478090). Advanced modeling of protein sequence and biophysical properties (such as structural, functional, and spatial information, amino acid conservation, physicochemical variation, residue mobility, and thermodynamic stability) performed at Invitae indicates that this missense variant is not expected to disrupt COG8 protein function. Algorithms developed to predict the effect of sequence changes on RNA splicing suggest that this variant may create or strengthen a splice site. In summary, the available evidence is currently insufficient to determine the role of this variant in disease. Therefore, it has been classified as a Variant of Uncertain Significance.